The following is an entry in ClinVar:

ClinVar aggregate classification (germline): Pathogenic/Likely pathogenic. Review status: criteria provided, multiple submitters, no conflicts (2 of 4 stars). 2 submissions from 2 submitters: Pathogenic (1); Likely pathogenic (1). Last evaluated 2024-01-31.

Conditions:
Cobalamin C disease. Also called: Cobalamin-C methylmalonic acidemia and homocystinuria; Methylmalonic acidemia and homocystinuria cblC type; Methylmalonic aciduria with homocystinuria cblC type; Methylmalonic aciduria and homocystinuria, Vitamin B12-responsive; Vitamin B12 metabolic defect with combined deficiency of methylmalonyl-CoA mutase and homocysteine:methyltetrahydrofolate methyltransferase; methylmalonic aciduria and homocystinuria type cblC. Identifiers: Orphanet 26, Orphanet 79282, MedGen C1848561, MONDO:0010184, OMIM 277400.

Submissions (2):

Fulgent Genetics
Classification: Likely pathogenic for Cobalamin C disease. Last evaluated: 2024-01-31. Review status: criteria provided, single submitter. Criteria: ACMG Guidelines, 2015. Collection method: clinical testing. Allele origin: germline.

Labcorp Genetics (formerly Invitae), Labcorp
Classification: Pathogenic for Cobalamin C disease. Last evaluated: 2023-05-11. Review status: criteria provided, single submitter. Criteria: Invitae Variant Classification Sherloc (09022015). Collection method: clinical testing. Allele origin: germline.
Comment: For these reasons, this variant has been classified as Pathogenic. ClinVar contains an entry for this variant (Variation ID: 1453445). This premature translational stop signal has been observed in individual(s) with cobalamin C deficiency (PMID: 19760748). This variant is not present in population databases (gnomAD no frequency). This sequence change creates a premature translational stop signal (p.Trp30*) in the MMACHC gene. It is expected to result in an absent or disrupted protein product. Loss-of-function variants in MMACHC are known to be pathogenic (PMID: 16311595).

Literature cited by the submitters: PubMed 19760748 (cited by Labcorp Genetics (formerly Invitae), Labcorp); PubMed 16311595 (cited by Labcorp Genetics (formerly Invitae), Labcorp).

NM_015506.3(MMACHC):c.90_97del (p.Trp30_Glu33delinsTer)

Gene: MMACHC (metabolism of cobalamin associated C; plus strand). Cytogenetic location: 1p34.1.
Variant type: Deletion.
Coding change: c.90_97del on transcript NM_015506.3 (MANE Select); coding-DNA positions 90 to 97, 8 bases deleted (GTACAATG; older notation c.90_97delGTACAATG).
Protein change: p.Trp30_Glu33delinsTer.
Molecular consequence: nonsense. On other transcripts: 5 prime UTR variant (1).
Genome position (GRCh38, 1-based): chr1:45,507,364-45,507,371, GTACAATG deleted; deleting any 8 consecutive bases within chr1:45,507,361-45,507,371 gives the same sequence; the c. name uses the placement nearest the transcript's 3' end. VCF-style (leftmost placement, unchanged base first): chr1-45507360-CATGGTACA-C. GRCh37 (hg19) VCF-style: chr1-45973032-CATGGTACA-C.
Other names: c.-82_-75del (NM_001330540.2).
Identifiers: ClinVar variation 1453445 (VCV001453445.9), dbSNP rs1289618918, ClinGen allele CA736188965.
Genomic context (GRCh38, chr1:45,507,360, plus strand): 5'-GCCAGGCTGAGGCCTAGACTGGCCCTCTCCAGCCTGGCCTGAACTTTCTGTTTCAGGTGG[CATGGTACA>C]ATGAACTCTTGCCTCCAGCCTTCCACCTACCGCTGCCAGGACCTACCCTGGCCTTCCTGG-3'